The following is an entry in ClinVar:

ClinVar aggregate classification (germline): Pathogenic (1 of 4 stars; one submission).

Conditions:
Bruck syndrome 2 (BRKS2). Also called: OSTEOGENESIS IMPERFECTA WITH CONGENITAL JOINT CONTRACTURES. Identifiers: Orphanet 2771, MedGen C1836602, MONDO:0012217, OMIM 609220.

Submission:

3billion
Classification: Pathogenic for Bruck syndrome 2. Last evaluated: 2024-12-31. Review status: criteria provided, single submitter. Criteria: ACMG Guidelines, 2015. Collection method: clinical testing. Allele origin: germline. Affected: yes.
Comment: The variant is not observed in the gnomAD v4.1.0 dataset. Predicted Consequence/Location: Canonical splice site: predicted to alter splicing and result in a loss or disruption of normal protein function. Multiple pathogenic loss-of-function variants are reported downstream of the variant. In silico tools predict the variant to alter splicing and produce an abnormal transcript [SpliceAI: 0.38 (spliceogenicity >=0.2, non-spliceogenicity <0.1)]. Therefore, this variant is classified as Pathogenic according to the recommendation of ACMG/AMP guideline.

NM_182943.3(PLOD2):c.1501-2A>G

Gene: PLOD2 (procollagen-lysine,2-oxoglutarate 5-dioxygenase 2; minus strand). Cytogenetic location: 3q24.
Variant type: single nucleotide variant.
Coding change: c.1501-2A>G on transcript NM_182943.3 (MANE Select); the canonical splice acceptor site of the intron before coding-DNA position 1501, A replaced by G.
Molecular consequence: splice acceptor variant. On other transcripts: intron variant (1).
Genome position (GRCh38, 1-based): chr3:146,077,926, T>C on the plus strand (A>G on the coding strand, the complement: PLOD2 is on the minus strand). VCF-style: chr3-146077926-T-C. GRCh37 (hg19) VCF-style: chr3-145795713-T-C.
Other names: c.1501-1031A>G (NM_000935.3).
Identifiers: ClinVar variation 4292588 (VCV004292588.1).